The following is an entry in ClinVar:

ClinVar aggregate classification (germline): Pathogenic (1 of 4 stars; one submission).

Conditions:
Inborn genetic diseases. Identifiers: MedGen C0950123, MeSH D030342.

Submission:

Ambry Genetics
Classification: Pathogenic for Inborn genetic diseases. Last evaluated: 2025-10-28. Review status: criteria provided, single submitter. Criteria: Ambry Variant Classification Scheme 2023. Collection method: clinical testing. Allele origin: germline.
Comment: The c.603_604delTG (p.G202Rfs*29) alteration, located in exon 6 (coding exon 5) of the MEF2C gene, consists of a deletion of 2 nucleotides from position 603 to 604, causing a translational frameshift with a predicted alternate stop codon after 29 amino acids. This alteration is expected to result in loss of function by premature protein truncation or nonsense-mediated mRNA decay. This variant was not reported in population-based cohorts in the Genome Aggregation Database (gnomAD). Based on the available evidence, this alteration is classified as pathogenic.

NM_002397.5(MEF2C):c.603_604del (p.Gly202fs)

Gene: MEF2C (myocyte enhancer factor 2C; minus strand). Cytogenetic location: 5q14.3.
Variant type: Deletion.
Coding change: c.603_604del on transcript NM_002397.5 (MANE Select); coding-DNA positions 603 to 604, 2 bases deleted (TG; older notation c.603_604delTG).
Protein change: p.Gly202fs; shifts the reading frame from glycine 202.
Molecular consequence: frameshift variant.
Genome position (GRCh38, 1-based): chr5:88,749,103-88,749,104, CA deleted on the plus strand (TG on the coding strand, the reverse complement: MEF2C is on the minus strand); deleting any 2 consecutive bases within chr5:88,749,103-88,749,105 gives the same sequence; the c. name uses the placement nearest the transcript's 3' end. VCF-style (leftmost placement, unchanged base first): chr5-88749102-CCA-C. GRCh37 (hg19) VCF-style: chr5-88044919-CCA-C.
Other names: c.603_604del, p.Gly202fs (NM_001364336.2, NM_001364337.2, NM_001364339.2 and 18 more transcripts); c.657_658del, p.Gly220fs (NM_001364338.2, NM_001193347.1); c.597_598del, p.Gly200fs (NM_001364343.2, NM_001131005.2, NM_001364352.2); c.459_460del, p.Gly154fs (NM_001364344.2, NM_001193348.1, NM_001193349.3 and 3 more transcripts); c.225_226del, p.Gly76fs (NM_001364353.2, NM_001364356.2); c.177_178del, p.Gly60fs (NM_001364357.2); short protein forms G60fs, G202fs, G154fs, G76fs, G200fs, G220fs.
Identifiers: ClinVar variation 4624849 (VCV004624849.1).